The following is an entry in ClinVar:

ClinVar aggregate classification (germline): Likely benign (1 of 4 stars; one submission).

Conditions:
SH2B1-related disorder. Also called: SH2B1-related condition.

gnomAD v4.1: 1 of 1,585,110 alleles (0.000063%); highest among the groups gnomAD compares: African/African-American, 0.0013%; no homozygotes.

Submission:

PreventionGenetics, part of Exact Sciences
Classification: Likely benign for SH2B1-related condition. Last evaluated: 2025-04-15. Review status: criteria provided, single submitter. Criteria: ACMG Guidelines, 2015. Collection method: clinical testing. Allele origin: germline.
Comment: This variant is classified as likely benign based on ACMG/AMP sequence variant interpretation guidelines (Richards et al. 2015 PMID: 25741868, with internal and published modifications).

NM_001387430.1(SH2B1):c.717C>A (p.Ala239=)

Gene: SH2B1 (SH2B adaptor protein 1; plus strand). Cytogenetic location: 16p11.2.
Variant type: single nucleotide variant.
Coding change: c.717C>A on transcript NM_001387430.1 (MANE Select); coding-DNA position 717, C replaced by A.
Protein change: p.Ala239=; no amino-acid change (alanine 239 retained).
Molecular consequence: synonymous variant. On other transcripts: intron variant (1).
Genome position (GRCh38, 1-based): chr16:28,866,811, C>A. VCF-style: chr16-28866811-C-A. GRCh37 (hg19) VCF-style: chr16-28878132-C-A.
Other names: c.717C>A, p.Ala239= (NM_001145795.2, NM_001145796.2, NM_001145797.2 and 4 more transcripts); c.-26-563C>A (NM_001308294.2).
Identifiers: ClinVar variation 5000129 (VCV005000129.1).